The following is an entry in ClinVar:

ClinVar aggregate classification (germline): Likely benign. Review status: criteria provided, multiple submitters, no conflicts (2 of 4 stars). 3 submissions from 3 submitters: Likely benign (3). Last evaluated 2024-11-25.

Conditions:
ASAH1-related disorders. Also called: ASAH1-related condition; ASAH1-related disorder. Identifiers: MedGen CN376120, MONDO:0800460.

Allele frequency attached by ClinVar (database versions not stated): gnomAD exomes 0.00001; TOPMed 0.00002; ExAC 0.00005; gnomAD 0.00001.
gnomAD v4.1: 17 of 1,550,372 alleles (0.0011%); highest among the groups gnomAD compares: East Asian, 0.016%; no homozygotes.

Submissions (3):

PreventionGenetics, part of Exact Sciences
Classification: Likely benign for ASAH1-related condition. Last evaluated: 2024-11-25. Review status: criteria provided, single submitter. Criteria: ACMG Guidelines, 2015. Collection method: clinical testing. Allele origin: germline.
Comment: This variant is classified as likely benign based on ACMG/AMP sequence variant interpretation guidelines (Richards et al. 2015 PMID: 25741868, with internal and published modifications).

Labcorp Genetics (formerly Invitae), Labcorp
Classification: Likely benign. Last evaluated: 2024-05-09. Review status: criteria provided, single submitter. Criteria: Invitae Variant Classification Sherloc (09022015). Collection method: clinical testing. Allele origin: germline.

Blueprint Genetics
Classification: Likely benign. Last evaluated: 2024-02-29. Review status: criteria provided, single submitter. Criteria: ACMG Guidelines, 2015. Collection method: clinical testing. Allele origin: germline.

NM_177924.5(ASAH1):c.457+10C>T

Gene: ASAH1 (N-acylsphingosine amidohydrolase 1; minus strand). Cytogenetic location: 8p22.
Variant type: single nucleotide variant.
Coding change: c.457+10C>T on transcript NM_177924.5 (MANE Select); 10 bases into the intron after coding-DNA position 457, C replaced by T.
Molecular consequence: intron variant.
Genome position (GRCh38, 1-based): chr8:18,064,447, G>A on the plus strand (C>T on the coding strand, the complement: ASAH1 is on the minus strand). VCF-style: chr8-18064447-G-A. GRCh37 (hg19) VCF-style: chr8-17921956-G-A.
Other names: c.505+10C>T (NM_004315.5, NM_004315.6); c.439+10C>T (NM_001127505.3); c.262+10C>T (NM_001363743.2).
Identifiers: ClinVar variation 1620383 (VCV001620383.10), dbSNP rs766787274, ClinGen allele CA4650851.